The following is an entry in ClinVar:

ClinVar aggregate classification (germline): Uncertain significance (1 of 4 stars; one submission).

Submission:

GeneDx
Classification: Uncertain significance. Last evaluated: 2024-08-07. Review status: criteria provided, single submitter. Criteria: GeneDx Variant Classification Process June 2021. Collection method: clinical testing. Allele origin: germline. Affected: yes.
Comment: Not observed at significant frequency in large population cohorts (gnomAD); In silico analysis indicates that this missense variant does not alter protein structure/function; Has not been previously published as pathogenic or benign to our knowledge

NM_013339.4(ALG6):c.1520G>A (p.Ser507Asn)

Gene: ALG6 (ALG6 alpha-1,3-glucosyltransferase; plus strand). Cytogenetic location: 1p31.3.
Variant type: single nucleotide variant.
Coding change: c.1520G>A on transcript NM_013339.4 (MANE Select); coding-DNA position 1520, G replaced by A.
Protein change: p.Ser507Asn; replaces serine 507 with asparagine.
Molecular consequence: missense variant.
Genome position (GRCh38, 1-based): chr1:63,437,016, G>A. VCF-style: chr1-63437016-G-A. GRCh37 (hg19) VCF-style: chr1-63902687-G-A.
Other names: c.1520G>A, p.Ser507Asn (LRG_1260t1); short protein forms S507N.
Identifiers: ClinVar variation 452523 (VCV000452523.3), dbSNP rs1553157451, ClinGen allele CA340642347.
Genomic context (GRCh38, chr1:63,437,016, plus strand): 5'-TATACTTTAACATTATTATTATGTGGGATTCCAAAAGTGGAAGAAATCAGAAGAAAATCA[G>A]CTAGCTGTATTCCTAAACAAATTGTTTCCTAAACAAATGTGAAAATGTGAACAGTGCTGA-3'
Protein context (NP_037471.2, residues 497-507): SKSGRNQKKI[Ser507Asn]